The following is an entry in ClinVar:

ClinVar aggregate classification (germline): Uncertain significance. Review status: criteria provided, multiple submitters, no conflicts (2 of 4 stars). 2 submissions from 2 submitters: Uncertain significance (2). Last evaluated 2025-03-10.

Conditions:
Inborn genetic diseases. Identifiers: MedGen C0950123, MeSH D030342.

Allele frequency attached by ClinVar (database versions not stated): TOPMed 0.00001; ExAC 0.00004; gnomAD exomes 0.00004.
gnomAD v4.1: 26 of 1,613,032 alleles (0.0016%); highest among the groups gnomAD compares: Admixed American, 0.018%; no homozygotes.

Submissions (2):

Labcorp Genetics (formerly Invitae), Labcorp
Classification: Uncertain significance. Last evaluated: 2025-03-10. Review status: criteria provided, single submitter. Criteria: Invitae Variant Classification Sherloc (09022015). Collection method: clinical testing. Allele origin: germline.
Comment: This sequence change replaces asparagine, which is neutral and polar, with serine, which is neutral and polar, at codon 649 of the AGPS protein (p.Asn649Ser). This variant is present in population databases (rs754151191, gnomAD 0.04%). This variant has not been reported in the literature in individuals affected with AGPS-related conditions. ClinVar contains an entry for this variant (Variation ID: 2062716). Invitae Evidence Modeling of protein sequence and biophysical properties (such as structural, functional, and spatial information, amino acid conservation, physicochemical variation, residue mobility, and thermodynamic stability) indicates that this missense variant is not expected to disrupt AGPS protein function with a negative predictive value of 80%. In summary, the available evidence is currently insufficient to determine the role of this variant in disease. Therefore, it has been classified as a Variant of Uncertain Significance.

Ambry Genetics
Classification: Uncertain significance for Inborn genetic diseases. Last evaluated: 2025-01-31. Review status: criteria provided, single submitter. Criteria: Ambry Variant Classification Scheme 2023. Collection method: clinical testing. Allele origin: germline.

NM_003659.4(AGPS):c.1946A>G (p.Asn649Ser)

Gene: AGPS (alkylglycerone phosphate synthase; plus strand). Cytogenetic location: 2q31.2.
Variant type: single nucleotide variant.
Coding change: c.1946A>G on transcript NM_003659.4 (MANE Select); coding-DNA position 1946, A replaced by G.
Protein change: p.Asn649Ser; replaces asparagine 649 with serine.
Molecular consequence: missense variant.
Genome position (GRCh38, 1-based): chr2:177,538,164, A>G. VCF-style: chr2-177538164-A-G. GRCh37 (hg19) VCF-style: chr2-178402892-A-G.
Other names: c.1946A>G (NM_003659.3); short protein forms N649S.
Identifiers: ClinVar variation 2062716 (VCV002062716.4), dbSNP rs754151191, ClinGen allele CA1980471.